The following is an entry in ClinVar:

NM_006659.4(TUBGCP2):c.720G>A (p.Gly240=)

Genes: TUBGCP2 (tubulin gamma complex component 2; minus strand), LOC126861106 (P300/CBP strongly-dependent group 1 enhancer GRCh37_chr10:135106330-135107529; plus strand). Cytogenetic location: 10q26.3.
Variant type: single nucleotide variant.
Coding change: c.720G>A on transcript NM_006659.4 (MANE Select); coding-DNA position 720, G replaced by A.
Protein change: p.Gly240=; no amino-acid change (glycine 240 retained).
Molecular consequence: synonymous variant. On other transcripts: non-coding transcript variant (1).
Genome position (GRCh38, 1-based): chr10:133,293,666, C>T on the plus strand (G>A on the coding strand, the complement: TUBGCP2 is on the minus strand). VCF-style: chr10-133293666-C-T. GRCh37 (hg19) VCF-style: chr10-135107170-C-T.
Other names: c.804G>A, p.Gly268= (NM_001256617.2); c.330G>A, p.Gly110= (NM_001256618.2).
Identifiers: ClinVar variation 2641024 (VCV002641024.25), dbSNP rs142279711, ClinGen allele CA5764380.

ClinVar aggregate classification (germline): Likely benign. Review status: criteria provided, multiple submitters, no conflicts (2 of 4 stars). 2 submissions from 2 submitters: Likely benign (2). Last evaluated 2024-11-18.

Allele frequency attached by ClinVar (database versions not stated): 1000 Genomes Project 30x 0.00016; 1000 Genomes Project 0.00020; ESP Exome Variant Server 0.00069; gnomAD 0.00077; TOPMed 0.00093; ExAC 0.00199.
gnomAD v4.1: 1,199 of 1,598,970 alleles (0.075%); highest among the groups gnomAD compares: Middle Eastern, 0.58%; 5 homozygotes.

Submissions (2):

Blueprint Genetics
Classification: Likely benign. Last evaluated: 2024-11-18. Review status: criteria provided, single submitter. Criteria: ACMG Guidelines, 2015. Collection method: clinical testing. Allele origin: germline.

CeGaT Center for Human Genetics Tuebingen
Classification: Likely benign. Last evaluated: 2024-05-01. Review status: criteria provided, single submitter. Criteria: CeGaT Center For Human Genetics Tuebingen Variant Classification Criteria Version 2. Collection method: clinical testing. Allele origin: germline. Affected: yes. Observed: 4 variant alleles.
Comment: TUBGCP2: BP4, BP7